The following is an entry in ClinVar:

NM_020778.4(ALPK3):c.287T>C (p.Leu96Pro)

Gene: ALPK3 (alpha kinase 3; plus strand). Cytogenetic location: 15q25.3.
Variant type: single nucleotide variant.
Coding change: c.287T>C on transcript NM_020778.4; coding-DNA position 287, T replaced by C.
Protein change: p.Leu96Pro; replaces leucine 96 with proline.
Genome position (GRCh38, 1-based): chr15:84,817,133, T>C. VCF-style: chr15-84817133-T-C. GRCh37 (hg19) VCF-style: chr15-85360364-T-C.
Other names: short protein forms L96P.
Identifiers: ClinVar variation 2563933 (VCV002563933.2), dbSNP rs1028295440, ClinGen allele CA273650784.

ClinVar aggregate classification (germline): Uncertain significance (1 of 4 stars; one submission).

Conditions:
Cardiovascular phenotype. Identifiers: MedGen CN230736.

Allele frequency attached by ClinVar (database versions not stated): TOPMed below 0.00001.

Submission:

Ambry Genetics
Classification: Uncertain significance for Cardiovascular phenotype. Last evaluated: 2023-03-24. Review status: criteria provided, single submitter. Criteria: Ambry Variant Classification Scheme 2023. Collection method: clinical testing. Allele origin: germline.
Comment: The p.L96P variant (also known as c.287T>C), located in coding exon 1 of the ALPK3 gene, results from a T to C substitution at nucleotide position 287. The leucine at codon 96 is replaced by proline, an amino acid with similar properties. This amino acid position is conserved. In addition, this alteration is predicted to be tolerated by in silico analysis. Since supporting evidence is limited at this time, the clinical significance of this alteration remains unclear.